The following is an entry in ClinVar:

NM_001163278.2(TENM1):c.3494C>T (p.Pro1165Leu)

Gene: TENM1 (teneurin transmembrane protein 1; minus strand). Cytogenetic location: Xq25.
Variant type: single nucleotide variant.
Coding change: c.3494C>T on transcript NM_001163278.2 (MANE Select); coding-DNA position 3494, C replaced by T.
Protein change: p.Pro1165Leu; replaces proline 1165 with leucine.
Molecular consequence: missense variant.
Genome position (GRCh38, 1-based): chrX:124,497,217, G>A on the plus strand (C>T on the coding strand, the complement: TENM1 is on the minus strand). VCF-style: chrX-124497217-G-A. GRCh37 (hg19) VCF-style: chrX-123631067-G-A.
Other names: c.3491C>T, p.Pro1164Leu (NM_001163279.1); c.3494C>T, p.Pro1165Leu (NM_014253.3); short protein forms P1164L, P1165L.
Identifiers: ClinVar variation 4998444 (VCV004998444.1).
Genomic context (GRCh38, chrX:124,497,217, plus strand): 5'-CAGTTGGTGCAGGCTACACTCCTTTGGTGTCCATTACCCATTATGGTTGATATGACTGGG[G>A]GCTGCTGGGAAATGAACATATTTTCTCCATTCCCTTTATGTATGATTCCTAGATTCAAGG-3'
Protein context (NP_001156750.1, residues 1155-1175): NGENMFISQQ[Pro1165Leu]PVISTIMGNG

ClinVar aggregate classification (germline): Uncertain significance (1 of 4 stars; one submission).

Conditions:
TENM1-related disorder. Also called: TENM1-related condition.

Submission:

PreventionGenetics, part of Exact Sciences
Classification: Uncertain significance for TENM1-related condition. Last evaluated: 2025-01-14. Review status: criteria provided, single submitter. Criteria: ACMG Guidelines, 2015. Collection method: clinical testing. Allele origin: germline.
Comment: The TENM1 c.3494C>T variant is predicted to result in the amino acid substitution p.Pro1165Leu. To our knowledge, this variant has not been reported in the literature or in a large population database (gnomAD), indicating this variant is rare. At this time, the clinical significance of this variant is uncertain due to the absence of conclusive functional and genetic evidence.